The following is an entry in ClinVar:

NM_201384.3(PLEC):c.683G>A (p.Arg228Gln)

Gene: PLEC (plectin; minus strand). Cytogenetic location: 8q24.3.
Variant type: single nucleotide variant.
Coding change: c.683G>A on transcript NM_201384.3 (MANE Select); coding-DNA position 683, G replaced by A.
Protein change: p.Arg228Gln; replaces arginine 228 with glutamine.
Molecular consequence: missense variant.
Genome position (GRCh38, 1-based): chr8:143,935,233, C>T on the plus strand (G>A on the coding strand, the complement: PLEC is on the minus strand). VCF-style: chr8-143935233-C-T. GRCh37 (hg19) VCF-style: chr8-145009401-C-T.
Other names: c.764G>A, p.Arg255Gln (NM_000445.5, NM_001410941.1); c.641G>A, p.Arg214Gln (NM_201378.4); c.617G>A, p.Arg206Gln (NM_201379.3); c.1094G>A, p.Arg365Gln (NM_201380.4); c.587G>A, p.Arg196Gln (NM_201381.3); c.683G>A, p.Arg228Gln (NM_201382.4); c.695G>A, p.Arg232Gln (NM_201383.3); c.764G>A (NM_000445.4); short protein forms R196Q, R206Q, R214Q, R228Q, R232Q, R255Q, R365Q.
Identifiers: ClinVar variation 3752963 (VCV003752963.3).
Genomic context (GRCh38, chr8:143,935,233, plus strand): 5'-AGGGAGGAAGGCCACGCAGACGTACCCTCAGGGTCCAGGAGCCGCGTCACTCCCAGGTCC[C>T]GCTCCGCCACAGAGAAGGCCTGGTCCAGGTTCTCCAGGTTGGTCTGCCGGTACACCTTGT-3'
Protein context (NP_958786.1, residues 218-238): NLDQAFSVAE[Arg228Gln]DLGVTRLLDP

ClinVar aggregate classification (germline): Uncertain significance. Review status: criteria provided, multiple submitters, no conflicts (2 of 4 stars). 2 submissions from 2 submitters: Uncertain significance (2). Last evaluated 2026-05-27.

Conditions:
Epidermolysis bullosa simplex 5C, with pyloric atresia (EBS5C). Also called: PLEC-Related Epidermolysis Bullosa with Pyloric Atresia; Epidermolysis bullosa simplex with pyloric atresia; PLEC1-Related Epidermolysis Bullosa with Pyloric Atresia. Identifiers: Orphanet 158684, MedGen C2677349, MONDO:0012807, OMIM 612138.
Epidermolysis bullosa simplex with nail dystrophy (EBS5D). Identifiers: MedGen C4225309, MONDO:0014661, OMIM 616487.
Epidermolysis bullosa simplex 5B, with muscular dystrophy (EBS5B). Also called: EPIDERMOLYSIS BULLOSA SIMPLEX AND LIMB-GIRDLE MUSCULAR DYSTROPHY; Epidermolysis bullosa simplex with muscular dystrophy. Identifiers: Orphanet 257, MedGen C2931072, MONDO:0009181, OMIM 226670.
Epidermolysis bullosa simplex, Ogna type (EBS5A). Also called: Pidermolysis bullosa simplex 5A, Ogna type; EPIDERMOLYSIS BULLOSA SIMPLEX 5A, OGNA TYPE. Identifiers: Orphanet 79401, MedGen C0432317, MONDO:0007555, OMIM 131950.
Autosomal recessive limb-girdle muscular dystrophy type 2Q (LGMDR17). Also called: MUSCULAR DYSTROPHY, LIMB-GIRDLE, AUTOSOMAL RECESSIVE 17. Identifiers: Orphanet 254361, MedGen C3150989, MONDO:0013390, OMIM 613723.
PLEC-related disorder. Also called: PLEC-related condition; PLEC-related disorders.

gnomAD v4.1: 13 of 1,612,434 alleles (0.00081%); highest among the groups gnomAD compares: African/African-American, 0.0013%; no homozygotes.

Submissions (2):

PreventionGenetics, part of Exact Sciences
Classification: Uncertain significance for PLEC-related condition. Last evaluated: 2026-05-27. Review status: criteria provided, single submitter. Criteria: ACMG Guidelines, 2015. Collection method: clinical testing. Allele origin: germline.
Comment: The PLEC c.764G>A variant is predicted to result in the amino acid substitution p.Arg255Gln. To our knowledge, this variant has not been reported in the literature. At PreventionGenetics, this variant has been noted in cis with the c.9896G>A variant in two unrelated probands being tested for epidermolysis bullosa simplex and one of the proband's parents (phenotype unknown). This variant is reported in 0.00089% of alleles in individuals of European (non-Finnish) descent in gnomAD. At this time, the clinical significance of this variant is uncertain due to the absence of conclusive functional and genetic evidence.

Labcorp Genetics (formerly Invitae), Labcorp
Classification: Uncertain significance for Autosomal recessive limb-girdle muscular dystrophy type 2Q; Epidermolysis bullosa simplex, Ogna type; Epidermolysis bullosa simplex with nail dystrophy; Epidermolysis bullosa simplex 5C, with pyloric atresia; Epidermolysis bullosa simplex 5B, with muscular dystrophy. Last evaluated: 2024-12-03. Review status: criteria provided, single submitter. Criteria: Invitae Variant Classification Sherloc (09022015). Collection method: clinical testing. Allele origin: germline.
Comment: This sequence change replaces arginine, which is basic and polar, with glutamine, which is neutral and polar, at codon 255 of the PLEC protein (p.Arg255Gln). This variant is present in population databases (rs782660579, gnomAD 0.0009%). This variant has not been reported in the literature in individuals affected with PLEC-related conditions. Invitae Evidence Modeling of protein sequence and biophysical properties (such as structural, functional, and spatial information, amino acid conservation, physicochemical variation, residue mobility, and thermodynamic stability) indicates that this missense variant is not expected to disrupt PLEC protein function with a negative predictive value of 80%. In summary, the available evidence is currently insufficient to determine the role of this variant in disease. Therefore, it has been classified as a Variant of Uncertain Significance.